The following is an entry in ClinVar:

NM_001354483.2(CSGALNACT1):c.130G>A (p.Ala44Thr)

Gene: CSGALNACT1 (chondroitin sulfate N-acetylgalactosaminyltransferase 1; minus strand). Cytogenetic location: 8p21.3.
Variant type: single nucleotide variant.
Coding change: c.130G>A on transcript NM_001354483.2 (MANE Select); coding-DNA position 130, G replaced by A.
Protein change: p.Ala44Thr; replaces alanine 44 with threonine.
Molecular consequence: missense variant. On other transcripts: non-coding transcript variant (7).
Genome position (GRCh38, 1-based): chr8:19,505,705, C>T on the plus strand (G>A on the coding strand, the complement: CSGALNACT1 is on the minus strand). VCF-style: chr8-19505705-C-T. GRCh37 (hg19) VCF-style: chr8-19363216-C-T.
Other names: c.130G>A, p.Ala44Thr (NM_001130518.2, NM_001354475.2, NM_001354476.2 and 18 more transcripts); short protein forms A44T.
Identifiers: ClinVar variation 2124810 (VCV002124810.4), dbSNP rs2538842726, ClinGen allele CA370462161.
Genomic context (GRCh38, chr8:19,505,705, plus strand): 5'-ACTCCTGAAGGACGGCCTGGTACCCCTCCTTCCCCGTGGGGCTGTTGGCCCTGGGCAGTG[C>T]CAGCTGCTCCTCGTCACCTTTTGGGGTGCAGGCCAACATGTACAGGACAGAGATAGCACA-3'
Protein context (NP_001341412.1, residues 34-54): CTPKGDEEQL[Ala44Thr]LPRANSPTGK

ClinVar aggregate classification (germline): Uncertain significance (1 of 4 stars; one submission).

Allele frequency attached by ClinVar (database versions not stated): gnomAD exomes below 0.00001.

Submission:

Labcorp Genetics (formerly Invitae), Labcorp
Classification: Uncertain significance. Last evaluated: 2022-08-20. Review status: criteria provided, single submitter. Criteria: Invitae Variant Classification Sherloc (09022015). Collection method: clinical testing. Allele origin: germline.
Comment: In summary, the available evidence is currently insufficient to determine the role of this variant in disease. Therefore, it has been classified as a Variant of Uncertain Significance. Algorithms developed to predict the effect of missense changes on protein structure and function (SIFT, PolyPhen-2, Align-GVGD) all suggest that this variant is likely to be tolerated. This variant has not been reported in the literature in individuals affected with CSGALNACT1-related conditions. This variant is not present in population databases (gnomAD no frequency). This sequence change replaces alanine, which is neutral and non-polar, with threonine, which is neutral and polar, at codon 44 of the CSGALNACT1 protein (p.Ala44Thr).